The following is an entry in ClinVar:

NM_000092.5(COL4A4):c.871-2dup

Gene: COL4A4 (collagen type IV alpha 4 chain; minus strand). Cytogenetic location: 2q36.3.
Variant type: Duplication.
Coding change: c.871-2dup on transcript NM_000092.5 (MANE Select); the canonical splice acceptor site of the intron before coding-DNA position 871, one base duplicated (A; older notation c.871-2dupA).
Molecular consequence: splice acceptor variant.
Genome position (GRCh38, 1-based): chr2:227,102,850, T duplicated on the plus strand (A on the coding strand, the reverse complement: COL4A4 is on the minus strand); the first of 3 consecutive T bases (chr2:227,102,850-227,102,852); duplicating any one gives the same sequence. VCF-style (leftmost placement, unchanged base first): chr2-227102849-C-CT. GRCh37 (hg19) VCF-style: chr2-227967565-C-CT.
Identifiers: ClinVar variation 2430681 (VCV002430681.2), dbSNP rs2475583834, ClinGen allele CA2577263987.
Genomic context (GRCh38, chr2:227,102,849, plus strand): 5'-CCGAGGCCCTGGAAATCCAGGAATACCTTTTTCTCCTTTTGCCCCAATACCAGATTCTCC[C>CT]TTTAAGAGATGACAACATTTAGAGGGGTTCAAGCAACAATATTTCAGCAATAGGGAAAGC-3'

ClinVar aggregate classification (germline): Uncertain significance. Review status: criteria provided, multiple submitters, no conflicts (2 of 4 stars). 2 submissions from 2 submitters: Uncertain significance (2). Last evaluated 2026-06-25.

Conditions:
Alport syndrome. Also called: Hemorrhagic familial nephritis; Hemorrhagic hereditary nephritis; Congenital hereditary hematuria. Identifiers: Orphanet 63, MedGen C1567741, MONDO:0018965.

Submissions (2):

Myriad Genetics, Inc.
Classification: Uncertain significance for Alport syndrome. Last evaluated: 2026-06-25. Review status: criteria provided, single submitter. Criteria: Myriad Autosomal Dominant, Autosomal Recessive and X-Linked Classification Criteria (2023). Collection method: clinical testing. Allele origin: unknown.
Comment: NM_000092.4(COL4A4):c.871-2dupA is an intronic variant classified as a variant of uncertain significance in the context of Alport syndrome, COL4A4-related. c.871-2dupA has not been observed in cases with relevant disease. Relevant functional assessments of this variant are not available in the literature. c.871-2dupA has not been observed in referenced population frequency databases. In summary, there is insufficient evidence to classify NM_000092.4(COL4A4):c.871-2dupA as pathogenic or benign. Please note: this variant was assessed in the context of healthy population screening.

GeneDx
Classification: Uncertain significance. Last evaluated: 2022-08-24. Review status: criteria provided, single submitter. Criteria: GeneDx Variant Classification Process June 2021. Collection method: clinical testing. Allele origin: germline. Affected: yes.
Comment: Not observed at significant frequency in large population cohorts (gnomAD); In-silico analysis is inconclusive as to whether the variant alters gene splicing. In the absence of RNA/functional studies, the actual effect of this sequence change is unknown.; Has not been previously published as pathogenic or benign to our knowledge